The following is an entry in ClinVar:

ClinVar aggregate classification (germline): Likely pathogenic (1 of 4 stars; one submission).

Conditions:
Multiple epiphyseal dysplasia type 1. Also called: COMP-Related Multiple Epiphyseal Dysplasia. Identifiers: Orphanet 93308, MedGen C1838280, MONDO:0007561, OMIM 132400.

Submission:

Clinical Biomedical Laboratory, Shriners Hospital For Children - Canada
Classification: Likely pathogenic for Multiple epiphyseal dysplasia type 1. Review status: criteria provided, single submitter. Criteria: ACMG Guidelines, 2015. Collection method: clinical testing. Allele origin: germline. Affected: yes.
Comment: The variant duplicates two amino acids in COMP. COMP is associated with autosomal dominant multiple epiphyseal dysplasia 1, which corresponds to the clinical phenotype of the proband. The variant is not present in the gnomAD database (v2.1.1), indicating it is rare. Based on the ACMG variant interpretation guidelines (criteria: PM2, PM4, PM6), this variant is likely pathogenic.

NM_000095.3(COMP):c.950ACGGGG[3] (p.Gly320_Val321insAspGly)

Gene: COMP (cartilage oligomeric matrix protein; minus strand). Cytogenetic location: 19p13.11.
Variant type: Microsatellite.
Coding change: c.950ACGGGG[3] on transcript NM_000095.3 (MANE Select); three copies in a row of the 6-base unit ACGGGG starting at c.950; the reference has two copies in a row; one copy, 6 bases duplicated; also written c.956_961dup.
Protein change: p.Gly320_Val321insAspGly.
Molecular consequence: inframe insertion.
Genome position (GRCh38, 1-based): chr19:18,788,226-18,788,231, CCCCGT duplicated on the plus strand (ACGGGG on the coding strand, the reverse complement: COMP is on the minus strand); duplicating any 6 consecutive bases within chr19:18,788,226-18,788,238 gives the same sequence; the position shown is the placement nearest the transcript's 3' end. VCF-style (leftmost placement, unchanged base first): chr19-18788225-A-ACCCCGT. GRCh37 (hg19) VCF-style: chr19-18899034-A-ACCCCGT.
Other names: c.956_961dup (NM_000095.3).
Identifiers: ClinVar variation 4819346 (VCV004819346.1).